The following is an entry in ClinVar:

ClinVar aggregate classification (germline): Uncertain significance (1 of 4 stars; one submission).

Submission:

GeneDx
Classification: Uncertain significance. Last evaluated: 2023-12-04. Review status: criteria provided, single submitter. Criteria: GeneDx Variant Classification Process June 2021. Collection method: clinical testing. Allele origin: germline. Affected: yes.
Comment: Not observed at significant frequency in large population cohorts (gnomAD); In silico analysis supports that this missense variant has a deleterious effect on protein structure/function; Has not been previously published as pathogenic or benign to our knowledge

NM_170606.3(KMT2C):c.5690C>T (p.Pro1897Leu)

Gene: KMT2C (lysine methyltransferase 2C; minus strand). Cytogenetic location: 7q36.1.
Variant type: single nucleotide variant.
Coding change: c.5690C>T on transcript NM_170606.3 (MANE Select); coding-DNA position 5690, C replaced by T.
Protein change: p.Pro1897Leu; replaces proline 1897 with leucine.
Molecular consequence: missense variant.
Genome position (GRCh38, 1-based): chr7:152,182,170, G>A on the plus strand (C>T on the coding strand, the complement: KMT2C is on the minus strand). VCF-style: chr7-152182170-G-A. GRCh37 (hg19) VCF-style: chr7-151879255-G-A.
Other names: short protein forms P1897L.
Identifiers: ClinVar variation 3252756 (VCV003252756.1), dbSNP rs2487799798.